The following is an entry in ClinVar:

ClinVar aggregate classification (germline): Uncertain significance (1 of 4 stars; one submission).

Conditions:
SEMA3F-related disorder. Also called: SEMA3F-related condition.

gnomAD v4.1: 5 of 1,613,780 alleles (0.00031%); highest among the groups gnomAD compares: African/African-American, 0.0053%; no homozygotes.

Submission:

PreventionGenetics, part of Exact Sciences
Classification: Uncertain significance for SEMA3F-related condition. Last evaluated: 2025-04-24. Review status: criteria provided, single submitter. Criteria: ACMG Guidelines, 2015. Collection method: clinical testing. Allele origin: germline.
Comment: The SEMA3F c.1089-6C>T variant is predicted to interfere with splicing. To our knowledge, this variant has not been reported in the literature. This variant is reported in 0.0062% of alleles in individuals of African descent in gnomAD. At this time, the clinical significance of this variant is uncertain due to the absence of conclusive functional and genetic evidence.

NM_004186.5(SEMA3F):c.1089-6C>T

Gene: SEMA3F (semaphorin 3F; plus strand). Cytogenetic location: 3p21.31.
Variant type: single nucleotide variant.
Coding change: c.1089-6C>T on transcript NM_004186.5 (MANE Select); 6 bases into the intron before coding-DNA position 1089, C replaced by T.
Molecular consequence: intron variant.
Genome position (GRCh38, 1-based): chr3:50,183,414, C>T. VCF-style: chr3-50183414-C-T. GRCh37 (hg19) VCF-style: chr3-50220847-C-T.
Other names: c.792-6C>T (NM_001318798.2); c.996-6C>T (NM_001318800.2).
Identifiers: ClinVar variation 4998312 (VCV004998312.1).